The following is an entry in ClinVar:

ClinVar aggregate classification (germline): Benign (1 of 4 stars; one submission).

Conditions:
Lissencephaly 4 (LIS4). Also called: Lissencephaly 4 (with microcephaly). Identifiers: Orphanet 1083, MedGen C3151461, MONDO:0013527, OMIM 614019.

Allele frequency attached by ClinVar (database versions not stated): gnomAD exomes 0.00060; gnomAD 0.00871 and 0.00926; 1000 Genomes Project 0.01038; 1000 Genomes Project 30x 0.01077; TOPMed 0.01017.
gnomAD v4.1: 1,323 of 174,666 alleles (0.76%); highest among the groups gnomAD compares: African/African-American, 2.9%; 27 homozygotes.

Submission:

Illumina Laboratory Services, Illumina
Classification: Benign for Lissencephaly 4. Last evaluated: 2018-01-13. Review status: criteria provided, single submitter. Criteria: ICSL Variant Classification Criteria 13 December 2019. Collection method: clinical testing. Allele origin: germline.
Comment: This variant was observed in the ICSL laboratory as part of a predisposition screen in an ostensibly healthy population. It had not been previously curated by ICSL or reported in the Human Gene Mutation Database (HGMD: prior to June 1st, 2018), and was therefore a candidate for classification through an automated scoring system. Utilizing variant allele frequency, disease prevalence and penetrance estimates, and inheritance mode, an automated score was calculated to assess if this variant is too frequent to cause the disease. Based on the score and internal cut-off values, a variant classified as benign is not then subjected to further curation. The score for this variant resulted in a classification of benign for this disease.

NM_017668.3(NDE1):c.*2090T>C

Genes: NDE1 (nudE neurodevelopment protein 1; plus strand), MYH11 (myosin heavy chain 11; minus strand). Cytogenetic location: 16p13.11.
Variant type: single nucleotide variant.
Coding change: c.*2090T>C on transcript NM_017668.3 (MANE Select); 2090 bases downstream of the stop codon, T replaced by C.
Molecular consequence: 3 prime UTR variant. On other transcripts: intron variant (4).
Genome position (GRCh38, 1-based): chr16:15,726,341, T>C. VCF-style: chr16-15726341-T-C. GRCh37 (hg19) VCF-style: chr16-15820198-T-C.
Other names: c.*2090T>C (NM_001143979.2); c.3858+507A>G (NM_002474.3, NM_022844.3); c.3879+507A>G (NM_001040114.2, NM_001040113.2).
Identifiers: ClinVar variation 318155 (VCV000318155.6), dbSNP rs140519946, ClinGen allele CA10643081.